The following is an entry in ClinVar:

NM_001184.4(ATR):c.359A>T (p.His120Leu)

Gene: ATR (ATR checkpoint kinase; minus strand). Cytogenetic location: 3q23.
Variant type: single nucleotide variant.
Coding change: c.359A>T on transcript NM_001184.4 (MANE Select); coding-DNA position 359, A replaced by T.
Protein change: p.His120Leu; replaces histidine 120 with leucine.
Molecular consequence: missense variant.
Genome position (GRCh38, 1-based): chr3:142,563,043, T>A on the plus strand (A>T on the coding strand, the complement: ATR is on the minus strand). VCF-style: chr3-142563043-T-A. GRCh37 (hg19) VCF-style: chr3-142281885-T-A.
Other names: c.359A>T, p.His120Leu (NM_001354579.2); short protein forms H120L.
Identifiers: ClinVar variation 2561359 (VCV002561359.2), dbSNP rs2473430177, ClinGen allele CA354827301.

ClinVar aggregate classification (germline): Uncertain significance (1 of 4 stars; one submission).

Conditions:
Inborn genetic diseases. Identifiers: MedGen C0950123, MeSH D030342.

Submission:

Ambry Genetics
Classification: Uncertain significance for Inborn genetic diseases. Last evaluated: 2023-06-09. Review status: criteria provided, single submitter. Criteria: Ambry Variant Classification Scheme 2023. Collection method: clinical testing. Allele origin: germline.
Comment: The p.H120L variant (also known as c.359A>T), located in coding exon 4 of the ATR gene, results from an A to T substitution at nucleotide position 359. The histidine at codon 120 is replaced by leucine, an amino acid with similar properties. This amino acid position is conserved. In addition, the in silico prediction for this alteration is inconclusive. Since supporting evidence is limited at this time, the clinical significance of this alteration remains unclear.